The following is an entry in ClinVar:

ClinVar aggregate classification (germline): Uncertain significance (1 of 4 stars; one submission).

Submission:

GeneDx
Classification: Uncertain significance. Last evaluated: 2022-10-21. Review status: criteria provided, single submitter. Criteria: GeneDx Variant Classification Process June 2021. Collection method: clinical testing. Allele origin: germline. Affected: yes.
Comment: Not observed at significant frequency in large population cohorts (gnomAD); In silico analysis supports that this missense variant does not alter protein structure/function; Has not been previously published as pathogenic or benign to our knowledge

NM_198503.5(KCNT2):c.273A>C (p.Glu91Asp)

Gene: KCNT2 (potassium sodium-activated channel subfamily T member 2; minus strand). Cytogenetic location: 1q31.3.
Variant type: single nucleotide variant.
Coding change: c.273A>C on transcript NM_198503.5 (MANE Select); coding-DNA position 273, A replaced by C.
Protein change: p.Glu91Asp; replaces glutamic acid 91 with aspartic acid.
Molecular consequence: missense variant. On other transcripts: non-coding transcript variant (2).
Genome position (GRCh38, 1-based): chr1:196,489,840, T>G on the plus strand (A>C on the coding strand, the complement: KCNT2 is on the minus strand). VCF-style: chr1-196489840-T-G. GRCh37 (hg19) VCF-style: chr1-196458970-T-G.
Other names: c.273A>C, p.Glu91Asp (NM_001287819.3, NM_001287820.3); short protein forms E91D.
Identifiers: ClinVar variation 2499755 (VCV002499755.1), dbSNP rs2527433644, ClinGen allele CA344079264.